The following is an entry in ClinVar:

ClinVar aggregate classification (germline): Uncertain significance. Review status: criteria provided, multiple submitters, no conflicts (2 of 4 stars). 2 submissions from 2 submitters: Uncertain significance (2). Last evaluated 2024-02-27.

Conditions:
Hereditary cancer-predisposing syndrome. Also called: Tumor predisposition; Hereditary neoplastic syndrome; Neoplastic Syndromes, Hereditary; Hereditary Cancer Syndrome. Identifiers: Orphanet 140162, MedGen C0027672, MeSH D009386, MONDO:0015356.
Microcephaly, normal intelligence and immunodeficiency (NBS). Also called: BERLIN BREAKAGE SYNDROME; Immunodeficiency, microcephaly with normal intelligence; Ataxia telangiectasia variant V1; SEEMANOVA SYNDROME II; Nijmegen breakage syndrome; Microcephaly with normal intelligence immunodeficiency and lymphoreticular malignancies. Identifiers: Orphanet 647, MedGen C0398791, MONDO:0009623, OMIM 251260.

gnomAD v4.1: 2 of 1,612,104 alleles (0.00012%); highest among the groups gnomAD compares: Non-Finnish European, 0.00017%; no homozygotes.

Submissions (2):

Ambry Genetics
Classification: Uncertain significance for Hereditary cancer-predisposing syndrome. Last evaluated: 2024-02-27. Review status: criteria provided, single submitter. Criteria: Ambry Variant Classification Scheme 2023. Collection method: clinical testing. Allele origin: germline.
Comment: The c.171+4T>A intronic variant results from a T to A substitution 4 nucleotides after coding exon 2 in the NBN gene. This nucleotide position is not well conserved in available vertebrate species. In silico splice site analysis predicts that this alteration will not have any significant effect on splicing. Based on the available evidence, the clinical significance of this alteration remains unclear.

Labcorp Genetics (formerly Invitae), Labcorp
Classification: Uncertain significance for Microcephaly, normal intelligence and immunodeficiency. Last evaluated: 2021-08-26. Review status: criteria provided, single submitter. Criteria: Invitae Variant Classification Sherloc (09022015). Collection method: clinical testing. Allele origin: germline.
Comment: In summary, the available evidence is currently insufficient to determine the role of this variant in disease. Therefore, it has been classified as a Variant of Uncertain Significance. Nucleotide substitutions within the consensus splice site are a relatively common cause of aberrant splicing (PMID: 17576681, 9536098). Algorithms developed to predict the effect of sequence changes on RNA splicing suggest that this variant is not likely to affect RNA splicing, but this prediction has not been confirmed by published transcriptional studies. This variant has not been reported in the literature in individuals with NBN-related conditions. This variant is not present in population databases (ExAC no frequency). This sequence change falls in intron 2 of the NBN gene. It does not directly change the encoded amino acid sequence of the NBN protein. It affects a nucleotide within the consensus splice site of the intron.

Literature cited by the submitters: PubMed 17576681 (cited by Labcorp Genetics (formerly Invitae), Labcorp); PubMed 9536098 (cited by Labcorp Genetics (formerly Invitae), Labcorp).

NM_002485.5(NBN):c.171+4T>A

Gene: NBN (nibrin; minus strand). Cytogenetic location: 8q21.3.
Variant type: single nucleotide variant.
Coding change: c.171+4T>A on transcript NM_002485.5 (MANE Select); 4 bases into the intron after coding-DNA position 171, T replaced by A.
Molecular consequence: intron variant.
Genome position (GRCh38, 1-based): chr8:89,982,718, A>T on the plus strand (T>A on the coding strand, the complement: NBN is on the minus strand). VCF-style: chr8-89982718-A-T. GRCh37 (hg19) VCF-style: chr8-90994946-A-T.
Other names: c.-126+4T>A (NM_001024688.3).
Identifiers: ClinVar variation 1386275 (VCV001386275.8), dbSNP rs587782290, ClinGen allele CA2573143425.